The following is an entry in ClinVar:

ClinVar aggregate classification (germline): Uncertain significance (1 of 4 stars; one submission).

Conditions:
TTN-related disorder. Also called: TTN-related disorders; TTN-related condition; TTN-related disease.

gnomAD v4.1: 4 of 1,612,616 alleles (0.00025%); highest among the groups gnomAD compares: African/African-American, 0.0053%; no homozygotes.

Submission:

PreventionGenetics, part of Exact Sciences
Classification: Uncertain significance for TTN-related condition. Last evaluated: 2026-06-03. Review status: criteria provided, single submitter. Criteria: ACMG Guidelines, 2015. Collection method: clinical testing. Allele origin: germline.
Comment: The TTN c.47480A>G variant is predicted to result in the amino acid substitution p.Gln15827Arg. To our knowledge, this variant has not been reported in the literature or in a large population database (gnomAD), indicating this variant is rare. At this time, the clinical significance of this variant is uncertain due to the absence of conclusive functional and genetic evidence.

NM_001267550.2(TTN):c.47480A>G (p.Gln15827Arg)

Genes: TTN (titin; minus strand), TTN-AS1 (TTN antisense RNA 1; plus strand). Cytogenetic location: 2q31.2.
Variant type: single nucleotide variant.
Coding change: c.47480A>G on transcript NM_001267550.2 (MANE Select); coding-DNA position 47480, A replaced by G.
Protein change: p.Gln15827Arg; replaces glutamine 15827 with arginine.
Molecular consequence: missense variant.
Genome position (GRCh38, 1-based): chr2:178,617,871, T>C on the plus strand (A>G on the coding strand, the complement: TTN is on the minus strand). VCF-style: chr2-178617871-T-C. GRCh37 (hg19) VCF-style: chr2-179482598-T-C.
Other names: c.42557A>G, p.Gln14186Arg (NM_001256850.1); c.20285A>G, p.Gln6762Arg (NM_003319.4); c.39776A>G, p.Gln13259Arg (NM_133378.4); c.20660A>G, p.Gln6887Arg (NM_133432.3); c.20861A>G, p.Gln6954Arg (NM_133437.4); short protein forms Q15827R, Q6954R, Q13259R, Q14186R, Q6887R, Q6762R.
Identifiers: ClinVar variation 4992453 (VCV004992453.1).
Genomic context (GRCh38, chr2:178,617,871, plus strand): 5'-GCTGCACTTGGTTTTCCAACTCCAATTCGATTTTGGGCTCTCACTCGGAAACTGTACTCC[T>C]GTCCTTCTACCACATCAGTAACAGTTGCAGACAGGTCTTCAGCTCTCACAGTCATGGCAG-3'
Protein context (NP_001254479.2, residues 15817-15837): SATVTDVVEG[Gln15827Arg]EYSFRVRAQN